The following is an entry in ClinVar:

ClinVar aggregate classification (germline): Benign (1 of 4 stars; one submission).

Conditions:
Autosomal recessive omodysplasia (OMOD1). Also called: MICROMELIC DYSPLASIA, CONGENITAL, WITH DISLOCATION OF RADIUS. Identifiers: Orphanet 2733, Orphanet 93329, MedGen C1850318, MONDO:0009779, OMIM 258315.

Allele frequency attached by ClinVar (database versions not stated): 1000 Genomes Project 0.01697; 1000 Genomes Project 30x 0.01921.

Submission:

Illumina Laboratory Services, Illumina
Classification: Benign for Autosomal recessive omodysplasia. Last evaluated: 2018-01-12. Review status: criteria provided, single submitter. Criteria: ICSL Variant Classification Criteria 13 December 2019. Collection method: clinical testing. Allele origin: germline.
Comment: This variant was observed in the ICSL laboratory as part of a predisposition screen in an ostensibly healthy population. It had not been previously curated by ICSL or reported in the Human Gene Mutation Database (HGMD: prior to June 1st, 2018), and was therefore a candidate for classification through an automated scoring system. Utilizing variant allele frequency, disease prevalence and penetrance estimates, and inheritance mode, an automated score was calculated to assess if this variant is too frequent to cause the disease. Based on the score and internal cut-off values, a variant classified as benign is not then subjected to further curation. The score for this variant resulted in a classification of benign for this disease.

NM_005708.5(GPC6):c.*1297C>G

Gene: GPC6 (glypican 6; plus strand). Cytogenetic location: 13q32.1.
Variant type: single nucleotide variant.
Coding change: c.*1297C>G on transcript NM_005708.5 (MANE Select); 1297 bases downstream of the stop codon, C replaced by G.
Molecular consequence: 3 prime UTR variant.
Genome position (GRCh38, 1-based): chr13:94,404,514, C>G. VCF-style: chr13-94404514-C-G. GRCh37 (hg19) VCF-style: chr13-95056768-C-G.
Identifiers: ClinVar variation 312576 (VCV000312576.5), dbSNP rs1951797, ClinGen allele CA10644881.